The following is an entry in ClinVar:

ClinVar aggregate classification (germline): Uncertain significance (1 of 4 stars; one submission).

Allele frequency attached by ClinVar (database versions not stated): TOPMed below 0.00001; ExAC 0.00001; gnomAD exomes below 0.00001.
gnomAD v4.1: 5 of 1,211,400 alleles (0.00041%); highest among the groups gnomAD compares: Non-Finnish European, 0.00056%; no homozygotes.

Submission:

Labcorp Genetics (formerly Invitae), Labcorp
Classification: Uncertain significance. Last evaluated: 2025-01-29. Review status: criteria provided, single submitter. Criteria: Invitae Variant Classification Sherloc (09022015). Collection method: clinical testing. Allele origin: germline.
Comment: This sequence change replaces aspartic acid, which is acidic and polar, with valine, which is neutral and non-polar, at codon 477 of the FRMD7 protein (p.Asp477Val). The frequency data for this variant in the population databases is considered unreliable, as metrics indicate poor data quality at this position in the gnomAD database. This variant has not been reported in the literature in individuals affected with FRMD7-related conditions. ClinVar contains an entry for this variant (Variation ID: 2849221). An algorithm developed to predict the effect of missense changes on protein structure and function (PolyPhen-2) suggests that this variant is likely to be disruptive. In summary, the available evidence is currently insufficient to determine the role of this variant in disease. Therefore, it has been classified as a Variant of Uncertain Significance.

NM_194277.3(FRMD7):c.1430A>T (p.Asp477Val)

Gene: FRMD7 (FERM domain containing 7; minus strand). Cytogenetic location: Xq26.2.
Variant type: single nucleotide variant.
Coding change: c.1430A>T on transcript NM_194277.3 (MANE Select); coding-DNA position 1430, A replaced by T.
Protein change: p.Asp477Val; replaces aspartic acid 477 with valine.
Molecular consequence: missense variant.
Genome position (GRCh38, 1-based): chrX:132,078,587, T>A on the plus strand (A>T on the coding strand, the complement: FRMD7 is on the minus strand). VCF-style: chrX-132078587-T-A. GRCh37 (hg19) VCF-style: chrX-131212615-T-A.
Other names: c.1385A>T, p.Asp462Val (NM_001306193.2); short protein forms D477V, D462V.
Identifiers: ClinVar variation 2849221 (VCV002849221.3), dbSNP rs773577568, ClinGen allele CA10518864.